The following is an entry in ClinVar:

NM_000051.4(ATM):c.326A>G (p.Asn109Ser)

Gene: ATM (ATM serine/threonine kinase; plus strand). Cytogenetic location: 11q22.3.
Variant type: single nucleotide variant.
Coding change: c.326A>G on transcript NM_000051.4 (MANE Select); coding-DNA position 326, A replaced by G.
Protein change: p.Asn109Ser; replaces asparagine 109 with serine.
Molecular consequence: missense variant.
Genome position (GRCh38, 1-based): chr11:108,229,318, A>G. VCF-style: chr11-108229318-A-G. GRCh37 (hg19) VCF-style: chr11-108100045-A-G.
Other names: c.326A>G, p.Asn109Ser (NM_001351834.2, NM_001351835.2, NM_001351836.2); short protein forms N109S.
Identifiers: ClinVar variation 1000362 (VCV001000362.10), dbSNP rs2078893700, ClinGen allele CA382521811.

ClinVar aggregate classification (germline): Uncertain significance. Review status: criteria provided, multiple submitters, no conflicts (2 of 4 stars). 2 submissions from 2 submitters: Uncertain significance (2). Last evaluated 2023-04-07.

Conditions:
Hereditary cancer-predisposing syndrome. Also called: Hereditary neoplastic syndrome; Neoplastic Syndromes, Hereditary; Tumor predisposition; Hereditary Cancer Syndrome. Identifiers: Orphanet 140162, MedGen C0027672, MeSH D009386, MONDO:0015356.
Ataxia-telangiectasia syndrome (AT). Also called: Ataxia-telangiectasia, complementation group D; AT, COMPLEMENTATION GROUP C; ATAXIA-TELANGIECTASIA, COMPLEMENTATION GROUP A; ATAXIA-TELANGIECTASIA, FRESNO VARIANT; Ataxia-telangiectasia; Cerebello-oculocutaneous telangiectasia. Identifiers: Orphanet 100, MedGen C0004135, MONDO:0008840, OMIM 208900.

Submissions (2):

Ambry Genetics
Classification: Uncertain significance for Hereditary cancer-predisposing syndrome. Last evaluated: 2023-04-07. Review status: criteria provided, single submitter. Criteria: Ambry Variant Classification Scheme 2023. Collection method: clinical testing. Allele origin: germline.
Comment: The p.N109S variant (also known as c.326A>G), located in coding exon 3 of the ATM gene, results from an A to G substitution at nucleotide position 326. The asparagine at codon 109 is replaced by serine, an amino acid with highly similar properties. This amino acid position is highly conserved in available vertebrate species. In addition, this alteration is predicted to be tolerated by in silico analysis. Since supporting evidence is limited at this time, the clinical significance of this alteration remains unclear.

Labcorp Genetics (formerly Invitae), Labcorp
Classification: Uncertain significance for Ataxia-telangiectasia syndrome. Last evaluated: 2020-02-17. Review status: criteria provided, single submitter. Criteria: Invitae Variant Classification Sherloc (09022015). Collection method: clinical testing. Allele origin: germline.
Comment: This variant has not been reported in the literature in individuals with ATM-related conditions. This sequence change replaces asparagine with serine at codon 109 of the ATM protein (p.Asn109Ser). The asparagine residue is highly conserved and there is a small physicochemical difference between asparagine and serine. This variant is not present in population databases (ExAC no frequency). Algorithms developed to predict the effect of missense changes on protein structure and function (SIFT, PolyPhen-2, Align-GVGD) all suggest that this variant is likely to be disruptive, but these predictions have not been confirmed by published functional studies and their clinical significance is uncertain. In summary, the available evidence is currently insufficient to determine the role of this variant in disease. Therefore, it has been classified as a Variant of Uncertain Significance.